The following is an entry in ClinVar:

ClinVar aggregate classification (germline): Conflicting classifications of pathogenicity. Review status: criteria provided, conflicting classifications (1 of 4 stars). 3 submissions from 3 submitters: Uncertain significance (2); Likely benign (1). Last evaluated 2025-04-30.

Conditions:
POLD1-related polyposis and colorectal cancer syndrome (CRCS10). Also called: Colorectal cancer 10; COLORECTAL CANCER, SUSCEPTIBILITY TO, ON CHROMOSOME 19q; Colorectal cancer, susceptibility to, 10. Identifiers: Orphanet 220460, MedGen C2675481, MONDO:0012953, OMIM 612591.
Hereditary cancer-predisposing syndrome. Also called: Tumor predisposition; Hereditary Cancer Syndrome; Hereditary neoplastic syndrome; Neoplastic Syndromes, Hereditary. Identifiers: Orphanet 140162, MedGen C0027672, MeSH D009386, MONDO:0015356.

Allele frequency attached by ClinVar (database versions not stated): gnomAD exomes below 0.00001; ExAC 0.00001; gnomAD 0.00001.
gnomAD v4.1: 2 of 1,601,822 alleles (0.00012%); highest among the groups gnomAD compares: African/African-American, 0.0013%; no homozygotes.

Submissions (3):

Labcorp Genetics (formerly Invitae), Labcorp
Classification: Uncertain significance for POLD1-related polyposis and colorectal cancer syndrome. Last evaluated: 2025-04-30. Review status: criteria provided, single submitter. Criteria: Invitae Variant Classification Sherloc (09022015). Collection method: clinical testing. Allele origin: germline.
Comment: This sequence change replaces aspartic acid, which is acidic and polar, with glutamic acid, which is acidic and polar, at codon 502 of the POLD1 protein (p.Asp502Glu). This variant is present in population databases (rs753870010, gnomAD 0.007%). This variant has not been reported in the literature in individuals affected with POLD1-related conditions. ClinVar contains an entry for this variant (Variation ID: 484343). Invitae Evidence Modeling of protein sequence and biophysical properties (such as structural, functional, and spatial information, amino acid conservation, physicochemical variation, residue mobility, and thermodynamic stability) indicates that this missense variant is not expected to disrupt POLD1 protein function with a negative predictive value of 80%. In summary, the available evidence is currently insufficient to determine the role of this variant in disease. Therefore, it has been classified as a Variant of Uncertain Significance.

Quest Diagnostics Nichols Institute San Juan Capistrano
Classification: Uncertain significance. Last evaluated: 2025-02-26. Review status: criteria provided, single submitter. Criteria: Quest Diagnostics criteria. Collection method: clinical testing. Allele origin: unknown.
Comment: The POLD1 c.1506C>A (p.Asp502Glu) variant has not been reported in individuals with POLD1-related conditions in the published literature. The frequency of this variant in the general population (Genome Aggregation Database) is uninformative in the assessment of its pathogenicity. Analysis of this variant using bioinformatics tools for the prediction of the effect of amino acid changes on protein structure and function yielded predictions that this variant is benign. Based on the available information, we are unable to determine the clinical significance of this variant.

Ambry Genetics
Classification: Likely benign for Hereditary cancer-predisposing syndrome. Last evaluated: 2017-09-19. Review status: criteria provided, single submitter. Criteria: Ambry Variant Classification Scheme 2023. Collection method: clinical testing. Allele origin: germline.

NM_002691.4(POLD1):c.1506C>A (p.Asp502Glu)

Gene: POLD1 (DNA polymerase delta 1, catalytic subunit; plus strand). Cytogenetic location: 19q13.33.
Variant type: single nucleotide variant.
Coding change: c.1506C>A on transcript NM_002691.4 (MANE Select); coding-DNA position 1506, C replaced by A.
Protein change: p.Asp502Glu; replaces aspartic acid 502 with glutamic acid.
Molecular consequence: missense variant. On other transcripts: non-coding transcript variant (1).
Genome position (GRCh38, 1-based): chr19:50,406,994, C>A. VCF-style: chr19-50406994-C-A. GRCh37 (hg19) VCF-style: chr19-50910251-C-A.
Other names: c.1506C>A, p.Asp502Glu (NM_001256849.1, NM_001308632.1); c.1506C>A (NM_002691.3); short protein forms D502E.
Identifiers: ClinVar variation 484343 (VCV000484343.15), dbSNP rs753870010, ClinGen allele CA9596165.